The following is an entry in ClinVar:

ClinVar aggregate classification (germline): Conflicting classifications of pathogenicity. Review status: criteria provided, conflicting classifications (1 of 4 stars). 3 submissions from 3 submitters: Uncertain significance (2); Benign (1). Last evaluated 2024-06-25.

Conditions:
Inborn genetic diseases. Identifiers: MedGen C0950123, MeSH D030342.
Hypogonadotropic hypogonadism. Also called: Low gonadotropins (secondary hypogonadism); Hypogonadotropic hypogonadism with or without anosmia; Hypogonadotrophic hypogonadism; Isolated hypogonadotropic hypogonadism. Identifiers: Orphanet 432, MedGen C0271623, MONDO:0018555, HP:0000044.

Allele frequency attached by ClinVar (database versions not stated): TOPMed below 0.00001.
gnomAD v4.1: 10 of 1,588,378 alleles (0.00063%); highest among the groups gnomAD compares: Admixed American, 0.0051%; no homozygotes.

Submissions (3):

Reproductive Endocrine Unit, Massachusetts General Hospital
Classification: Uncertain significance for HYPOGONADOTROPIC HYPOGONADISM. Last evaluated: 2024-06-25. Review status: criteria provided, single submitter. Criteria: ACMG Guidelines, 2015. Collection method: research. Allele origin: unknown. Affected: yes.
Comment: PM2,PP2,BP4

Labcorp Genetics (formerly Invitae), Labcorp
Classification: Benign. Last evaluated: 2023-07-28. Review status: criteria provided, single submitter. Criteria: Invitae Variant Classification Sherloc (09022015). Collection method: clinical testing. Allele origin: germline.

Ambry Genetics
Classification: Uncertain significance for Inborn genetic diseases. Last evaluated: 2021-08-10. Review status: criteria provided, single submitter. Criteria: Ambry Variant Classification Scheme 2023. Collection method: clinical testing. Allele origin: germline.

NM_003108.4(SOX11):c.623C>T (p.Ser208Leu)

Gene: SOX11 (SRY-box transcription factor 11; plus strand). Cytogenetic location: 2p25.2.
Variant type: single nucleotide variant.
Coding change: c.623C>T on transcript NM_003108.4 (MANE Select); coding-DNA position 623, C replaced by T.
Protein change: p.Ser208Leu; replaces serine 208 with leucine.
Molecular consequence: missense variant.
Genome position (GRCh38, 1-based): chr2:5,693,344, C>T. VCF-style: chr2-5693344-C-T. GRCh37 (hg19) VCF-style: chr2-5833476-C-T.
Other names: short protein forms S208L.
Identifiers: ClinVar variation 2220282 (VCV002220282.6), dbSNP rs1469878578, ClinGen allele CA345867095.